The following is an entry in ClinVar:

ClinVar aggregate classification (germline): Uncertain significance (1 of 4 stars; one submission).

gnomAD v4.1: 1 of 1,614,122 alleles (0.000062%); highest among the groups gnomAD compares: Non-Finnish European, 0.000085%; no homozygotes.

Submission:

GeneDx
Classification: Uncertain significance. Last evaluated: 2025-04-30. Review status: criteria provided, single submitter. Criteria: GeneDx Variant Classification Process June 2021. Collection method: clinical testing. Allele origin: germline. Affected: yes.
Comment: Not observed at significant frequency in large population cohorts (gnomAD); In silico analysis indicates that this missense variant does not alter protein structure/function; Has not been previously published as pathogenic or benign to our knowledge

NM_001069.3(TUBB2A):c.233C>G (p.Ser78Cys)

Gene: TUBB2A (tubulin beta 2A class IIa; minus strand). Cytogenetic location: 6p25.2.
Variant type: single nucleotide variant.
Coding change: c.233C>G on transcript NM_001069.3 (MANE Select); coding-DNA position 233, C replaced by G.
Protein change: p.Ser78Cys; replaces serine 78 with cysteine.
Molecular consequence: missense variant. On other transcripts: 5 prime UTR variant (1).
Genome position (GRCh38, 1-based): chr6:3,155,669, G>C on the plus strand (C>G on the coding strand, the complement: TUBB2A is on the minus strand). VCF-style: chr6-3155669-G-C. GRCh37 (hg19) VCF-style: chr6-3155903-G-C.
Other names: c.-155C>G (NM_001310315.2); short protein forms S78C.
Identifiers: ClinVar variation 4527493 (VCV004527493.1).